The following is an entry in ClinVar:

NM_138694.4(PKHD1):c.11471del (p.Asn3824fs)

Gene: PKHD1 (PKHD1 ciliary IPT domain containing fibrocystin/polyductin; minus strand). Cytogenetic location: 6p12.3.
Variant type: Deletion.
Coding change: c.11471del on transcript NM_138694.4 (MANE Select); coding-DNA position 11471, one base deleted (A; older notation c.11471delA).
Protein change: p.Asn3824fs; shifts the reading frame from asparagine 3824.
Molecular consequence: frameshift variant.
Genome position (GRCh38, 1-based): chr6:51,638,884, T deleted on the plus strand (A on the coding strand, the reverse complement: PKHD1 is on the minus strand); the first of 3 consecutive T bases (chr6:51,638,884-51,638,886); deleting any one gives the same sequence. VCF-style (leftmost placement, unchanged base first): chr6-51638883-GT-G. GRCh37 (hg19) VCF-style: chr6-51503681-GT-G.
Other names: short protein forms N3824fs.
Identifiers: ClinVar variation 4816554 (VCV004816554.1).

ClinVar aggregate classification (germline): Likely pathogenic (1 of 4 stars; one submission).

Conditions:
Autosomal recessive polycystic kidney disease (ARPKD). Also called: AR polycystic kidney disease. Identifiers: Orphanet 731, Orphanet 8378, MedGen C0085548, MeSH D017044, MONDO:0009889.

Submission:

Natera, Inc.
Classification: Likely pathogenic for Autosomal recessive polycystic kidney disease. Last evaluated: 2024-04-23. Review status: criteria provided, single submitter. Criteria: Natera Variant Classification Schema (03/2026). Collection method: clinical testing. Allele origin: germline.
Comment: The c.11471delA variant in PKHD1 is a frameshift variant predicted to shift the reading frame beginning at codon 3824 and leads to a stop codon 28 codons downstream. This variant is expected to result in nonsense mediated decay, truncation, or a dysfunctional protein product. This variant is rare in the general population with a frequency below the threshold expected for the associated phenotype(s). Given the available evidence, this variant is classified as Likely Pathogenic.